The following is an entry in ClinVar:

NM_023067.4(FOXL2):c.389T>C (p.Leu130Pro)

Gene: FOXL2 (forkhead box L2; minus strand). Cytogenetic location: 3q22.3.
Variant type: single nucleotide variant.
Coding change: c.389T>C on transcript NM_023067.4 (MANE Select); coding-DNA position 389, T replaced by C.
Protein change: p.Leu130Pro; replaces leucine 130 with proline.
Molecular consequence: missense variant.
Genome position (GRCh38, 1-based): chr3:138,946,334, A>G on the plus strand (T>C on the coding strand, the complement: FOXL2 is on the minus strand). VCF-style: chr3-138946334-A-G. GRCh37 (hg19) VCF-style: chr3-138665176-A-G.
Other names: short protein forms L130P.
Identifiers: ClinVar variation 369911 (VCV000369911.3), dbSNP rs1057516160, ClinGen allele CA10654884.
Genomic context (GRCh38, chr3:138,946,334, plus strand): 5'-TTCATGCGGCGGCGGCGCCGGTAGTTGCCCTTCTCGAACATGTCTTCGCAGGCCGGGTCC[A>G]GCGTCCAGTAGTTGCCCTTGCGCTCGCCGCCGCCCTCGCGCGGCACCTTGATGAAGCACT-3'
Protein context (NP_075555.1, residues 120-140): GGERKGNYWT[Leu130Pro]DPACEDMFEK

ClinVar aggregate classification (germline): Conflicting classifications of pathogenicity. Review status: criteria provided, conflicting classifications (1 of 4 stars). 3 submissions from 3 submitters: Likely pathogenic (1); Uncertain significance (1). 1 of the submissions does not count toward it. Last evaluated 2026-07-29.

Conditions:
Blepharophimosis, ptosis, and epicanthus inversus syndrome. Identifiers: Orphanet 126, MedGen C0220663, MONDO:0007201, OMIM 110100.
FOXL2-related disorder. Also called: FOXL2-related condition.

Submissions (3):

PreventionGenetics, part of Exact Sciences
Classification: Likely pathogenic for FOXL2-related condition. Last evaluated: 2026-07-29. Review status: criteria provided, single submitter. Criteria: ACMG Guidelines, 2015. Collection method: clinical testing. Allele origin: germline.
Comment: The FOXL2 c.389T>C variant is predicted to result in the amino acid substitution p.Leu130Pro. This variant has been reported as de novo in an individual with blepharophimosis-ptosis-epicanthus inversus syndrome (Bunyan et al. 2019. PubMed ID: 31077882). At PreventionGenetics, this variant was detected in at least two individuals undergoing testing for BPES (internal data). This missense variant is predicted damaging to the encoded protein (Liu et al. 2016. PMID:26555599). This variant is absent in a large population database (gnomAD), indicating this variant is rare. Given the evidence, we interpret this variant as likely pathogenic.

Genomic Diagnostic Laboratory, Division of Genomic Diagnostics, Children's Hospital of Philadelphia
Classification: Uncertain significance for Blepharophimosis, ptosis, and epicanthus inversus syndrome. Last evaluated: 2016-11-03. Review status: criteria provided, single submitter. Criteria: DGD Variant Analysis Guidelines. Collection method: clinical testing. Allele origin: germline. Affected: yes. Observed: 1 variant allele.
Comment: Clinical Testing

Wessex Regional Genetics Laboratory, Salisbury District Hospital
Classification: Likely pathogenic for Blepharophimosis, ptosis, and epicanthus inversus syndrome. Last evaluated: 2015-01-01. Review status: no assertion criteria provided. Criteria: ACMG Guidelines, 2015. Collection method: clinical testing. Allele origin: de novo. Inheritance: Autosomal dominant inheritance. Affected: yes. Not counted in ClinVar's aggregate classification.